The following is an entry in ClinVar:

NM_001184880.2(PCDH19):c.20C>G (p.Pro7Arg)

Gene: PCDH19 (protocadherin 19; minus strand). Cytogenetic location: Xq22.1.
Variant type: single nucleotide variant.
Coding change: c.20C>G on transcript NM_001184880.2 (MANE Select); coding-DNA position 20, C replaced by G.
Protein change: p.Pro7Arg; replaces proline 7 with arginine.
Molecular consequence: missense variant.
Genome position (GRCh38, 1-based): chrX:100,408,578, G>C on the plus strand (C>G on the coding strand, the complement: PCDH19 is on the minus strand). VCF-style: chrX-100408578-G-C. GRCh37 (hg19) VCF-style: chrX-99663576-G-C.
Other names: c.20C>G, p.Pro7Arg (NM_001105243.2, NM_020766.3); short protein forms P7R.
Identifiers: ClinVar variation 3623958 (VCV003623958.2).

ClinVar aggregate classification (germline): Uncertain significance (1 of 4 stars; one submission).

Conditions:
Developmental and epileptic encephalopathy, 9 (DEE9). Also called: JUBERG-HELLMAN SYNDROME; Early infantile epileptic encephalopathy 9; EPILEPSY, FEMALE-RESTRICTED, WITH MENTAL RETARDATION; PCDH19-Related X-Linked Female-Limited Epilepsy with Mental Retardation. Identifiers: Orphanet 101039, Orphanet 2076, MedGen C1848137, MONDO:0010246, OMIM 300088. Disease mechanism: loss of function.

gnomAD v4.1: 2 of 1,175,561 alleles (0.00017%); highest among the groups gnomAD compares: South Asian, 0.0019%; no homozygotes.

Submission:

Labcorp Genetics (formerly Invitae), Labcorp
Classification: Uncertain significance for Developmental and epileptic encephalopathy, 9. Last evaluated: 2024-06-26. Review status: criteria provided, single submitter. Criteria: Invitae Variant Classification Sherloc (09022015). Collection method: clinical testing. Allele origin: germline.
Comment: This sequence change replaces proline, which is neutral and non-polar, with arginine, which is basic and polar, at codon 7 of the PCDH19 protein (p.Pro7Arg). This variant is not present in population databases (gnomAD no frequency). This variant has not been reported in the literature in individuals affected with PCDH19-related conditions. Advanced modeling of protein sequence and biophysical properties (such as structural, functional, and spatial information, amino acid conservation, physicochemical variation, residue mobility, and thermodynamic stability) performed at Invitae indicates that this missense variant is not expected to disrupt PCDH19 protein function with a negative predictive value of 95%. In summary, the available evidence is currently insufficient to determine the role of this variant in disease. Therefore, it has been classified as a Variant of Uncertain Significance.